The following is an entry in ClinVar:

NM_001038603.3(MARVELD2):c.1363C>T (p.Arg455Ter)

Gene: MARVELD2 (MARVEL domain containing 2; plus strand). Cytogenetic location: 5q13.2.
Variant type: single nucleotide variant.
Coding change: c.1363C>T on transcript NM_001038603.3 (MANE Select); coding-DNA position 1363, C replaced by T.
Protein change: p.Arg455Ter; replaces arginine 455 with a stop codon.
Molecular consequence: nonsense.
Genome position (GRCh38, 1-based): chr5:69,432,953, C>T. VCF-style: chr5-69432953-C-T. GRCh37 (hg19) VCF-style: chr5-68728780-C-T.
Other names: c.1327C>T, p.Arg443Ter (NM_001244734.2); short protein forms R443*, R455*.
Identifiers: ClinVar variation 3601228 (VCV003601228.2).

ClinVar aggregate classification (germline): Likely pathogenic. Review status: criteria provided, multiple submitters, no conflicts (2 of 4 stars). 2 submissions from 2 submitters: Likely pathogenic (2). Last evaluated 2025-01-09.

Conditions:
MARVELD2-related disorders.
Autosomal recessive nonsyndromic hearing loss 49. Also called: Deafness, neurosensory, autosomal recessive 49. Identifiers: Orphanet 90636, MedGen C1857811, MONDO:0012420, OMIM 610153.

Submissions (2):

Institute of Rare Diseases, West China Hospital, Sichuan University
Classification: Likely pathogenic for Autosomal recessive nonsyndromic hearing loss 49. Last evaluated: 2025-01-09. Review status: criteria provided, single submitter. Criteria: ClinGen HL ACMG Specifications v1. Collection method: research. Allele origin: germline. Affected: yes.
Comment: PVS1;PM2_Supporting

Blueprint Genetics
Classification: Likely pathogenic for MARVELD2-related disorders. Last evaluated: 2020-05-26. Review status: criteria provided, single submitter. Criteria: ACMG Guidelines, 2015. Collection method: clinical testing. Allele origin: germline. Affected: yes. Observed: 2 variant alleles.